The following is an entry in ClinVar:

NM_000061.3(BTK):c.1125T>G (p.Tyr375Ter)

Gene: BTK (Bruton tyrosine kinase; minus strand). Cytogenetic location: Xq22.1.
Variant type: single nucleotide variant.
Coding change: c.1125T>G on transcript NM_000061.3 (MANE Select); coding-DNA position 1125, T replaced by G.
Protein change: p.Tyr375Ter; replaces tyrosine 375 with a stop codon.
Molecular consequence: nonsense. On other transcripts: intron variant (1).
Genome position (GRCh38, 1-based): chrX:101,357,561, A>C on the plus strand (T>G on the coding strand, the complement: BTK is on the minus strand). VCF-style: chrX-101357561-A-C. GRCh37 (hg19) VCF-style: chrX-100612549-A-C.
Other names: c.1227T>G, p.Tyr409Ter (NM_001287344.2); c.1038+813T>G (NM_001287345.2); short protein forms Y375*, Y409*.
Identifiers: ClinVar variation 11371 (VCV000011371.4), dbSNP rs128621197, ClinGen allele CA121431.
Genomic context (GRCh38, chrX:101,357,561, plus strand): 5'-GGAGTTACCGTATCCCAGGCCTGCAGTGGAAGGTGCATTCTTGTTTTGTTGAGACACTGG[A>C]TATTTGAGCCTGGATATGAGTCCTGAAACAGAGAGAGAGGTCATGCTGTTGGTGTGGTGT-3'

ClinVar aggregate classification (germline): Pathogenic. Review status: criteria provided, single submitter (1 of 4 stars). 2 submissions from 2 submitters: Pathogenic (1). 1 of the submissions does not count toward it. Last evaluated 2023-02-16.

Conditions:
X-linked agammaglobulinemia with growth hormone deficiency (IGHD3). Also called: HYPOGAMMAGLOBULINEMIA AND ISOLATED GROWTH HORMONE DEFICIENCY, X-LINKED; IGHD III; ISOLATED GROWTH HORMONE DEFICIENCY, TYPE III, WITH AGAMMAGLOBULINEMIA; AGAMMAGLOBULINEMIA AND ISOLATED GROWTH HORMONE DEFICIENCY, X-LINKED; FLEISHER SYNDROME; Isolated growth hormone deficiency type 3. Identifiers: Orphanet 231692, Orphanet 631, MedGen C0472813, MONDO:0010615, OMIM 307200.

Submissions (2):

Labcorp Genetics (formerly Invitae), Labcorp
Classification: Pathogenic for X-linked agammaglobulinemia with growth hormone deficiency. Last evaluated: 2023-02-16. Review status: criteria provided, single submitter. Criteria: Invitae Variant Classification Sherloc (09022015). Collection method: clinical testing. Allele origin: germline.
Comment: For these reasons, this variant has been classified as Pathogenic. ClinVar contains an entry for this variant (Variation ID: 11371). This premature translational stop signal has been observed in individual(s) with clinical features of BTK-related conditions (PMID: 7849697). This variant is not present in population databases (gnomAD no frequency). This sequence change creates a premature translational stop signal (p.Tyr375*) in the BTK gene. It is expected to result in an absent or disrupted protein product. Loss-of-function variants in BTK are known to be pathogenic (PMID: 15661032, 16862044, 19419768).

OMIM
Classification: Pathogenic for ISOLATED GROWTH HORMONE DEFICIENCY, TYPE III, WITH AGAMMAGLOBULINEMIA. Last evaluated: 1994-10-01. Review status: no assertion criteria provided. Collection method: literature only. Allele origin: germline. Not counted in ClinVar's aggregate classification.

Literature cited by the submitters: PubMed 7849697 (cited by Labcorp Genetics (formerly Invitae), Labcorp and OMIM); PubMed 15661032 (cited by Labcorp Genetics (formerly Invitae), Labcorp); PubMed 16862044 (cited by Labcorp Genetics (formerly Invitae), Labcorp); PubMed 19419768 (cited by Labcorp Genetics (formerly Invitae), Labcorp).